The following is an entry in ClinVar:

NM_000038.6(APC):c.1463T>C (p.Leu488Pro)

Gene: APC (APC regulator of Wnt signaling pathway; plus strand). Cytogenetic location: 5q22.2.
Variant type: single nucleotide variant.
Coding change: c.1463T>C on transcript NM_000038.6 (MANE Select); coding-DNA position 1463, T replaced by C.
Protein change: p.Leu488Pro; replaces leucine 488 with proline.
Molecular consequence: missense variant.
Genome position (GRCh38, 1-based): chr5:112,827,162, T>C. VCF-style: chr5-112827162-T-C. GRCh37 (hg19) VCF-style: chr5-112162859-T-C.
Other names: c.1463T>C, p.Leu488Pro (NM_001127510.3, NM_001354895.2); c.1409T>C, p.Leu470Pro (NM_001127511.3); c.1517T>C, p.Leu506Pro (NM_001354896.2); c.1493T>C, p.Leu498Pro (NM_001354897.2); c.1388T>C, p.Leu463Pro (NM_001354898.2); c.1379T>C, p.Leu460Pro (NM_001354899.2); c.1340T>C, p.Leu447Pro (NM_001354900.2); c.1286T>C, p.Leu429Pro (NM_001354901.2); and 5 more; short protein forms L470P, L488P, L205P, L387P, L429P, L447P, L463P, L506P.
Identifiers: ClinVar variation 559962 (VCV000559962.5), dbSNP rs368434773, ClinGen allele CA027830.

ClinVar aggregate classification (germline): Uncertain significance. Review status: criteria provided, multiple submitters, no conflicts (2 of 4 stars). 3 submissions from 3 submitters: Uncertain significance (2). 1 of the submissions does not count toward it. Last evaluated 2024-09-04.

Conditions:
Colon adenocarcinoma. Also called: Colonic adenocarcinoma; Adenocarcinoma of the colon. Identifiers: MedGen C0338106, MONDO:0002271, HP:0040276.
Hereditary cancer-predisposing syndrome. Also called: Hereditary neoplastic syndrome; Neoplastic Syndromes, Hereditary; Tumor predisposition; Hereditary Cancer Syndrome. Identifiers: Orphanet 140162, MedGen C0027672, MeSH D009386, MONDO:0015356.
Familial adenomatous polyposis 1 (FAP1). Also called: FAMILIAL ADENOMATOUS POLYPOSIS 1, ATTENUATED; POLYPOSIS, ADENOMATOUS INTESTINAL. Identifiers: MedGen C2713442, MONDO:0021056, OMIM 175100. Disease mechanism: loss of function.

Allele frequency attached by ClinVar (database versions not stated): gnomAD exomes below 0.00001; TOPMed below 0.00001; ExAC 0.00001; ESP Exome Variant Server 0.00008.

Submissions (3):

Labcorp Genetics (formerly Invitae), Labcorp
Classification: Uncertain significance for Familial adenomatous polyposis 1. Last evaluated: 2024-09-04. Review status: criteria provided, single submitter. Criteria: Invitae Variant Classification Sherloc (09022015). Collection method: clinical testing. Allele origin: germline.
Comment: This sequence change replaces leucine, which is neutral and non-polar, with proline, which is neutral and non-polar, at codon 488 of the APC protein (p.Leu488Pro). This variant is present in population databases (rs368434773, gnomAD 0.007%). This variant has not been reported in the literature in individuals affected with APC-related conditions. ClinVar contains an entry for this variant (Variation ID: 559962). Invitae Evidence Modeling of protein sequence and biophysical properties (such as structural, functional, and spatial information, amino acid conservation, physicochemical variation, residue mobility, and thermodynamic stability) indicates that this missense variant is not expected to disrupt APC protein function with a negative predictive value of 95%. In summary, the available evidence is currently insufficient to determine the role of this variant in disease. Therefore, it has been classified as a Variant of Uncertain Significance.

Ambry Genetics
Classification: Uncertain significance for Hereditary cancer-predisposing syndrome. Last evaluated: 2020-04-28. Review status: criteria provided, single submitter. Criteria: Ambry Variant Classification Scheme 2023. Collection method: clinical testing. Allele origin: germline.
Comment: The p.L488P variant (also known as c.1463T>C), located in coding exon 11 of the APC gene, results from a T to C substitution at nucleotide position 1463. The leucine at codon 488 is replaced by proline, an amino acid with similar properties. This amino acid position is highly conserved in available vertebrate species. In addition, in silico predictors for this gene do not accurately predict pathogenicity. Since supporting evidence is limited at this time, the clinical significance of this alteration remains unclear.

3DMed Clinical Laboratory Inc
Classification: Uncertain significance for Adenocarcinoma of the colon. Last evaluated: 2018-01-18. Review status: no assertion criteria provided. Criteria: ACMG Guidelines, 2015. Collection method: clinical testing. Allele origin: germline. Affected: yes. Not counted in ClinVar's aggregate classification.